The following is an entry in ClinVar:

NM_000275.3(OCA2):c.414C>A (p.Tyr138Ter)

Gene: OCA2 (OCA2 melanosomal transmembrane protein; minus strand). Cytogenetic location: 15q13.1.
Variant type: single nucleotide variant.
Coding change: c.414C>A on transcript NM_000275.3 (MANE Select); coding-DNA position 414, C replaced by A.
Protein change: p.Tyr138Ter; replaces tyrosine 138 with a stop codon.
Molecular consequence: nonsense.
Genome position (GRCh38, 1-based): chr15:28,027,972, G>T on the plus strand (C>A on the coding strand, the complement: OCA2 is on the minus strand). VCF-style: chr15-28027972-G-T. GRCh37 (hg19) VCF-style: chr15-28273118-G-T.
Other names: c.414C>A, p.Tyr138Ter (NM_001300984.2); short protein forms Y138*.
Identifiers: ClinVar variation 4923642 (VCV004923642.4).

ClinVar aggregate classification (germline): Pathogenic/Likely pathogenic. Review status: criteria provided, multiple submitters, no conflicts (2 of 4 stars). 3 submissions from 3 submitters: Pathogenic (1); Likely pathogenic (2). Last evaluated 2025-05-16.

Conditions:
Tyrosinase-positive oculocutaneous albinism (OCA2). Also called: ALBINISM II; Oculocutaneous albinism type 2; Albinism, oculocutaneous, type II. Identifiers: Orphanet 79432, MedGen C0268495, MONDO:0008746, OMIM 203200.
OCA2-related disorder. Also called: OCA2-related condition.

gnomAD v4.1: 1 of 1,614,212 alleles (0.000062%); highest among the groups gnomAD compares: Non-Finnish European, 0.000085%; no homozygotes.

Submissions (3):

Myriad Genetics, Inc.
Classification: Pathogenic for Tyrosinase-positive oculocutaneous albinism. Last evaluated: 2025-05-16. Review status: criteria provided, single submitter. Criteria: Myriad Autosomal Dominant, Autosomal Recessive and X-Linked Classification Criteria (2023). Collection method: clinical testing. Allele origin: unknown.
Comment: NM_000275.2(OCA2):c.414C>A(Y138*) is expected to be pathogenic in the context of oculocutaneous albinism, OCA2-related. This variant is predicted to lead to an abnormal or absent protein product due to the creation of a premature termination codon in OCA2, a gene where loss-of-function variants are known to be pathogenic. Please note: this variant was assessed in the context of healthy population screening.

Blueprint Genetics
Classification: Likely pathogenic for OCA2-related disorders. Last evaluated: 2022-11-28. Review status: criteria provided, single submitter. Criteria: ACMG Guidelines, 2015. Collection method: clinical testing. Allele origin: germline. Affected: yes. Observed: 3 variant alleles.

Juno Genomics, Hangzhou Juno Genomics, Inc
Classification: Likely pathogenic for Tyrosinase-positive oculocutaneous albinism. Review status: criteria provided, single submitter. Criteria: ACMG Guidelines, 2015. Collection method: clinical testing. Allele origin: germline.
Comment: Null variant in a gene where loss of function (LOF) is a known mechanism of disease.;Absent from controls (or at extremely low frequency if recessive) in Genome Aggregation Database.